The following is an entry in ClinVar:

ClinVar aggregate classification (germline): Conflicting classifications of pathogenicity. Review status: criteria provided, conflicting classifications (1 of 4 stars). 2 submissions from 2 submitters: Uncertain significance (1); Likely benign (1). Last evaluated 2023-04-24.

Submissions (2):

Labcorp Genetics (formerly Invitae), Labcorp
Classification: Uncertain significance. Last evaluated: 2023-04-24. Review status: criteria provided, single submitter. Criteria: Invitae Variant Classification Sherloc (09022015). Collection method: clinical testing. Allele origin: germline.
Comment: This variant has not been reported in the literature in individuals affected with RARS2-related conditions. In summary, the available evidence is currently insufficient to determine the role of this variant in disease. Therefore, it has been classified as a Variant of Uncertain Significance. Advanced modeling of protein sequence and biophysical properties (such as structural, functional, and spatial information, amino acid conservation, physicochemical variation, residue mobility, and thermodynamic stability) performed at Invitae indicates that this missense variant is not expected to disrupt RARS2 protein function. ClinVar contains an entry for this variant (Variation ID: 215052). This variant is not present in population databases (gnomAD no frequency). This sequence change replaces alanine, which is neutral and non-polar, with valine, which is neutral and non-polar, at codon 214 of the RARS2 protein (p.Ala214Val).

GeneDx
Classification: Likely benign. Last evaluated: 2014-02-17. Review status: criteria provided, single submitter. Criteria: GeneDx Variant Classification (06012015). Collection method: clinical testing. Allele origin: germline. Affected: yes.
Comment: This variant is considered likely benign or benign based on one or more of the following criteria: it is a conservative change, it occurs at a poorly conserved position in the protein, it is predicted to be benign by multiple in silico algorithms, and/or has population frequency not consistent with disease.

NM_020320.5(RARS2):c.641C>T (p.Ala214Val)

Gene: RARS2 (arginyl-tRNA synthetase 2, mitochondrial; minus strand). Cytogenetic location: 6q15.
Variant type: single nucleotide variant.
Coding change: c.641C>T on transcript NM_020320.5 (MANE Select); coding-DNA position 641, C replaced by T.
Protein change: p.Ala214Val; replaces alanine 214 with valine.
Molecular consequence: missense variant. On other transcripts: non-coding transcript variant (23).
Genome position (GRCh38, 1-based): chr6:87,530,914, G>A on the plus strand (C>T on the coding strand, the complement: RARS2 is on the minus strand). VCF-style: chr6-87530914-G-A. GRCh37 (hg19) VCF-style: chr6-88240632-G-A.
Other names: p.A214V:GCA>GTA; c.116C>T, p.Ala39Val (NM_001318785.2, NM_001350506.2, NM_001350507.2 and 4 more transcripts); c.641C>T, p.Ala214Val (NM_001350505.2); short protein forms A214V, A39V.
Identifiers: ClinVar variation 215052 (VCV000215052.3), dbSNP rs863224178, ClinGen allele CA324308.
Genomic context (GRCh38, chr6:87,530,914, plus strand): 5'-TCGCCCAGTTCCAATCGTTGGAAGAACTCCTGTGCTGCTTTTGCTACACTTTTATCATCT[G>A]CTGCTTCTTTATTAACTTGTACATAAACCTAAAAGTACAATAGTACATTAAATGAAGTAC-3'
Protein context (NP_064716.2, residues 204-224): EVYVQVNKEA[Ala214Val]DDKSVAKAAQ